The following is an entry in ClinVar:

NM_002547.3(OPHN1):c.1856C>T (p.Pro619Leu)

Gene: OPHN1 (oligophrenin 1; minus strand). Cytogenetic location: Xq12.
Variant type: single nucleotide variant.
Coding change: c.1856C>T on transcript NM_002547.3 (MANE Select); coding-DNA position 1856, C replaced by T.
Protein change: p.Pro619Leu; replaces proline 619 with leucine.
Molecular consequence: missense variant.
Genome position (GRCh38, 1-based): chrX:68,064,156, G>A on the plus strand (C>T on the coding strand, the complement: OPHN1 is on the minus strand). VCF-style: chrX-68064156-G-A. GRCh37 (hg19) VCF-style: chrX-67283998-G-A.
Other names: c.1856C>T (NM_002547.2); short protein forms P619L.
Identifiers: ClinVar variation 1342513 (VCV001342513.3), dbSNP rs1175919760, ClinGen allele CA413431121.
Genomic context (GRCh38, chrX:68,064,156, plus strand): 5'-GGTAGTTTGGGGTGTTGTGGTGGCTTGGGGGGTTCTATGCTGCTGGTGATAGTACCATTC[G>A]GTGTTTGATGTTGGATTTCATCTAGGAAAAGTTGGTGCCAAGAGGGAAGATTAATGATAA-3'
Protein context (NP_002538.1, residues 609-629): ESEDEIQHQT[Pro619Leu]NGTITSSIEP

ClinVar aggregate classification (germline): Uncertain significance. Review status: criteria provided, multiple submitters, no conflicts (2 of 4 stars). 3 submissions from 3 submitters: Uncertain significance (3). Last evaluated 2024-09-18.

Conditions:
Intellectual developmental disorder, X-linked, syndromic, Billuart type. Also called: X-linked intellectual disability-cerebellar hypoplasia syndrome; MENTAL RETARDATION, X-LINKED 60. Identifiers: Orphanet 137831, MedGen C1845366, MONDO:0010337, OMIM 300486.
Inborn genetic diseases. Identifiers: MedGen C0950123, MeSH D030342.

Allele frequency attached by ClinVar (database versions not stated): gnomAD 0.00002.
gnomAD v4.1: 6 of 1,208,902 alleles (0.0005%); highest among the groups gnomAD compares: African/African-American, 0.0053%; no homozygotes.

Submissions (3):

Ambry Genetics
Classification: Uncertain significance for Inborn genetic diseases. Last evaluated: 2024-09-18. Review status: criteria provided, single submitter. Criteria: Ambry Variant Classification Scheme 2023. Collection method: clinical testing. Allele origin: germline.

Genomic Medicine Center of Excellence, King Faisal Specialist Hospital and Research Centre
Classification: Uncertain significance for Intellectual developmental disorder, X-linked, syndromic, Billuart type. Last evaluated: 2024-04-04. Review status: criteria provided, single submitter. Criteria: ACMG Guidelines, 2015. Collection method: clinical testing. Allele origin: germline.

New York Genome Center
Classification: Uncertain significance for Intellectual developmental disorder, X-linked, syndromic, Billuart type. Last evaluated: 2021-04-22. Review status: criteria provided, single submitter. Criteria: NYGC Assertion Criteria 2020. Collection method: clinical testing. Allele origin: inherited. Observed: 1 hemizygote. Study: CSER-NYCKidSeq.
Comment: The variant has 0.00001798 allele frequency in the gnomAD(v3) database (2 out of 111,226 alleles, 1 hemizygote) suggesting it is not a common benign variant in the populations represented in that database. In silico tools provide conflicting predictions about potential pathogenicity of this variant. Based on the available evidence, the maternally inherited hemizygousc.1856C>T (p.Pro619Leu) missense variant identified in the OPHN1 gene is reported as a variant of uncertain significance.